The following is an entry in ClinVar:

ClinVar aggregate classification (germline): Conflicting classifications of pathogenicity. Review status: criteria provided, conflicting classifications (1 of 4 stars). 2 submissions from 2 submitters: Uncertain significance (1); Likely benign (1). Last evaluated 2025-06-27.

Conditions:
Inborn genetic diseases. Identifiers: MedGen C0950123, MeSH D030342.

Allele frequency attached by ClinVar (database versions not stated): TOPMed 0.00002; gnomAD 0.00003; gnomAD exomes 0.00003; ExAC 0.00004.

Submissions (2):

Ambry Genetics
Classification: Likely benign for Inborn genetic diseases. Last evaluated: 2025-06-27. Review status: criteria provided, single submitter. Criteria: Ambry Variant Classification Scheme 2023. Collection method: clinical testing. Allele origin: germline.

Labcorp Genetics (formerly Invitae), Labcorp
Classification: Uncertain significance. Last evaluated: 2022-11-17. Review status: criteria provided, single submitter. Criteria: Invitae Variant Classification Sherloc (09022015). Collection method: clinical testing. Allele origin: germline.
Comment: In summary, the available evidence is currently insufficient to determine the role of this variant in disease. Therefore, it has been classified as a Variant of Uncertain Significance. Algorithms developed to predict the effect of missense changes on protein structure and function (SIFT, PolyPhen-2, Align-GVGD) all suggest that this variant is likely to be tolerated. This variant has not been reported in the literature in individuals affected with AHDC1-related conditions. This variant is present in population databases (rs201371526, gnomAD 0.007%). This sequence change replaces arginine, which is basic and polar, with glutamine, which is neutral and polar, at codon 1100 of the AHDC1 protein (p.Arg1100Gln).

NM_001371928.1(AHDC1):c.3299G>A (p.Arg1100Gln)

Gene: AHDC1 (AT-hook DNA binding motif containing 1; minus strand). Cytogenetic location: 1p36.11.
Variant type: single nucleotide variant.
Coding change: c.3299G>A on transcript NM_001371928.1 (MANE Select); coding-DNA position 3299, G replaced by A.
Protein change: p.Arg1100Gln; replaces arginine 1100 with glutamine.
Molecular consequence: missense variant.
Genome position (GRCh38, 1-based): chr1:27,548,817, C>T on the plus strand (G>A on the coding strand, the complement: AHDC1 is on the minus strand). VCF-style: chr1-27548817-C-T. GRCh37 (hg19) VCF-style: chr1-27875328-C-T.
Other names: c.3299G>A, p.Arg1100Gln (NM_001029882.3); c.3299G>A (NM_001029882.2); short protein forms R1100Q.
Identifiers: ClinVar variation 2977424 (VCV002977424.4), dbSNP rs201371526, ClinGen allele CA715580.